The following is an entry in ClinVar:

NM_016616.5(NME8):c.938T>A (p.Met313Lys)

Gene: NME8 (NME/NM23 family member 8; plus strand). Cytogenetic location: 7p14.1.
Variant type: single nucleotide variant.
Coding change: c.938T>A on transcript NM_016616.5 (MANE Select); coding-DNA position 938, T replaced by A.
Protein change: p.Met313Lys; replaces methionine 313 with lysine.
Molecular consequence: missense variant.
Genome position (GRCh38, 1-based): chr7:37,876,951, T>A. VCF-style: chr7-37876951-T-A. GRCh37 (hg19) VCF-style: chr7-37916553-T-A.
Other names: short protein forms M313K.
Identifiers: ClinVar variation 2199582 (VCV002199582.4), dbSNP rs563057857, ClinGen allele CA4222371.

ClinVar aggregate classification (germline): Uncertain significance (1 of 4 stars; one submission).

Conditions:
Primary ciliary dyskinesia 6. Also called: Primary Ciliary Dyskinesia 6: TXNDC3-Related Primary Ciliary Dyskinesia. Identifiers: Orphanet 244, MedGen C1970506, MONDO:0012571, OMIM 610852.

Allele frequency attached by ClinVar (database versions not stated): gnomAD exomes below 0.00001; ExAC 0.00001; gnomAD 0.00001; 1000 Genomes Project 0.00020; 1000 Genomes Project 30x 0.00031.
gnomAD v4.1: 2 of 1,613,254 alleles (0.00012%); highest among the groups gnomAD compares: Admixed American, 0.0033%; no homozygotes.

Submission:

Labcorp Genetics (formerly Invitae), Labcorp
Classification: Uncertain significance for Primary ciliary dyskinesia 6. Last evaluated: 2025-09-09. Review status: criteria provided, single submitter. Criteria: Invitae Variant Classification Sherloc (09022015). Collection method: clinical testing. Allele origin: germline.
Comment: This sequence change replaces methionine, which is neutral and non-polar, with lysine, which is basic and polar, at codon 313 of the NME8 protein (p.Met313Lys). This variant is present in population databases (rs563057857, gnomAD 0.006%). This variant has not been reported in the literature in individuals affected with NME8-related conditions. ClinVar contains an entry for this variant (Variation ID: 2199582). Invitae Evidence Modeling of protein sequence and biophysical properties (such as structural, functional, and spatial information, amino acid conservation, physicochemical variation, residue mobility, and thermodynamic stability) indicates that this missense variant is not expected to disrupt NME8 protein function with a negative predictive value of 80%. In summary, the available evidence is currently insufficient to determine the role of this variant in disease. Therefore, it has been classified as a Variant of Uncertain Significance.